The following is an entry in ClinVar:

ClinVar aggregate classification (germline): Uncertain significance. Review status: criteria provided, multiple submitters, no conflicts (2 of 4 stars). 3 submissions from 3 submitters: Uncertain significance (3). Last evaluated 2026-06-24.

Allele frequency attached by ClinVar (database versions not stated): gnomAD 0.00001; gnomAD exomes 0.00001; TOPMed 0.00001.
gnomAD v4.1: 5 of 1,613,818 alleles (0.00031%); highest among the groups gnomAD compares: Admixed American, 0.0083%; no homozygotes.

Submissions (3):

GeneDx
Classification: Uncertain significance. Last evaluated: 2026-06-24. Review status: criteria provided, single submitter. Criteria: GeneDx Variant Classification Process June 2021. Collection method: clinical testing. Allele origin: germline.
Comment: In silico analysis suggests that this missense variant does not alter protein structure/function; Has not been previously published as pathogenic or benign to our knowledge

Blueprint Genetics
Classification: Uncertain significance. Last evaluated: 2024-07-23. Review status: criteria provided, single submitter. Criteria: ACMG Guidelines, 2015. Collection method: clinical testing. Allele origin: germline.

Labcorp Genetics (formerly Invitae), Labcorp
Classification: Uncertain significance. Last evaluated: 2022-05-22. Review status: criteria provided, single submitter. Criteria: Invitae Variant Classification Sherloc (09022015). Collection method: clinical testing. Allele origin: germline.
Comment: This sequence change replaces histidine, which is basic and polar, with arginine, which is basic and polar, at codon 1935 of the USH2A protein (p.His1935Arg). This variant is present in population databases (no rsID available, gnomAD 0.01%). This variant has not been reported in the literature in individuals affected with USH2A-related conditions. Algorithms developed to predict the effect of missense changes on protein structure and function are either unavailable or do not agree on the potential impact of this missense change (SIFT: "Deleterious"; PolyPhen-2: "Benign"; Align-GVGD: "Class C0"). In summary, the available evidence is currently insufficient to determine the role of this variant in disease. Therefore, it has been classified as a Variant of Uncertain Significance.

NM_206933.4(USH2A):c.5804A>G (p.His1935Arg)

Genes: USH2A (usherin; minus strand), USH2A-AS2 (USH2A antisense RNA 2; plus strand). Cytogenetic location: 1q41.
Variant type: single nucleotide variant.
Coding change: c.5804A>G on transcript NM_206933.4 (MANE Select); coding-DNA position 5804, A replaced by G.
Protein change: p.His1935Arg; replaces histidine 1935 with arginine.
Molecular consequence: missense variant.
Genome position (GRCh38, 1-based): chr1:216,072,942, T>C on the plus strand (A>G on the coding strand, the complement: USH2A is on the minus strand). VCF-style: chr1-216072942-T-C. GRCh37 (hg19) VCF-style: chr1-216246284-T-C.
Other names: c.5804A>G (NM_206933.2); short protein forms H1935R.
Identifiers: ClinVar variation 2163738 (VCV002163738.4), dbSNP rs1304124357, ClinGen allele CA344853847.